The following is an entry in ClinVar:

NM_022047.4(DEF6):c.1096C>A (p.Leu366Met)

Gene: DEF6 (DEF6 guanine nucleotide exchange factor; plus strand). Cytogenetic location: 6p21.31.
Variant type: single nucleotide variant.
Coding change: c.1096C>A on transcript NM_022047.4 (MANE Select); coding-DNA position 1096, C replaced by A.
Protein change: p.Leu366Met; replaces leucine 366 with methionine.
Molecular consequence: missense variant.
Genome position (GRCh38, 1-based): chr6:35,318,352, C>A. VCF-style: chr6-35318352-C-A. GRCh37 (hg19) VCF-style: chr6-35286129-C-A.
Other names: short protein forms L366M.
Identifiers: ClinVar variation 1373593 (VCV001373593.6), dbSNP rs774857860, ClinGen allele CA363766808.
Genomic context (GRCh38, chr6:35,318,352, plus strand): 5'-GAGCTGCTGCGGCTGCAGCAGCTGCAGGAGGAGAAGGAGCGGAAGCTGCAGGAGCTGGAG[C>A]TGCTGCAGGAGGCGCAGCGGCAGGCCGAGCGGCTGCTGCAGGAGGAGGAGGAACGGCGCC-3'
Protein context (NP_071330.3, residues 356-376): EKERKLQELE[Leu366Met]LQEAQRQAER

ClinVar aggregate classification (germline): Uncertain significance (1 of 4 stars; one submission).

gnomAD v4.1: 1 of 1,543,216 alleles (0.000065%); no homozygotes.

Submission:

Labcorp Genetics (formerly Invitae), Labcorp
Classification: Uncertain significance. Last evaluated: 2021-08-09. Review status: criteria provided, single submitter. Criteria: Invitae Variant Classification Sherloc (09022015). Collection method: clinical testing. Allele origin: germline.
Comment: This sequence change replaces leucine with methionine at codon 366 of the DEF6 protein (p.Leu366Met). The leucine residue is moderately conserved and there is a small physicochemical difference between leucine and methionine. The frequency data for this variant in the population databases is considered unreliable, as metrics indicate insufficient coverage at this position in the ExAC database. This variant has not been reported in the literature in individuals affected with DEF6-related conditions. Algorithms developed to predict the effect of missense changes on protein structure and function are either unavailable or do not agree on the potential impact of this missense change (SIFT: "Tolerated"; PolyPhen-2: "Possibly Damaging"; Align-GVGD: "Class C0"). In summary, the available evidence is currently insufficient to determine the role of this variant in disease. Therefore, it has been classified as a Variant of Uncertain Significance.